The following is an entry in ClinVar:

ClinVar aggregate classification (germline): Pathogenic. Review status: reviewed by expert panel (3 of 4 stars). 2 submissions from 2 submitters: Pathogenic (1). 1 of the submissions does not count toward it. Last evaluated 2025-02-11.

Conditions:
Bernard Soulier syndrome (BSS). Also called: Platelet Glycoprotein 1b, Deficiency of; GLYCOPROTEIN Ib, PLATELET, DEFICIENCY OF; PLATELET GLYCOPROTEIN Ib DEFICIENCY; BLEEDING DISORDER, PLATELET-TYPE, 1; VON WILLEBRAND FACTOR RECEPTOR DEFICIENCY; Giant platelet syndrome. Identifiers: Orphanet 274, MedGen C0005129, MeSH D001606, MONDO:0009276, OMIM 231200.

Submissions (2):

ClinGen Platelet Disorders Variant Curation Expert Panel, ClinGen
Classification: Pathogenic for Bernard Soulier syndrome. Last evaluated: 2025-02-11. Review status: reviewed by expert panel. Criteria: ClinGen Platelet ACMG Specifications GP1BB V1.0.0. Collection method: curation. Allele origin: germline. Inheritance: Autosomal recessive inheritance.
Comment: The c.443G>A (p.Trp148Ter) variant in GP1BB is a nonsense variant that may cause loss of function of the protein, however, it is predicted to escape nonsense mediated decay and remove 28% of the protein (PVS1_Strong). This variant has been detected in at least 2 unrelated probands with Bernard-Soulier syndrome. One proband was homozygous for the variant (0.5 points, PMID: 12447957). The second proband was compound heterozygous for this variant and a pathogenic or likely pathogenic variant that was confirmed in trans by parental testing (22q11.2 deletion including GP1BB, 1 point, PMID: 23566026, PM3). At least one patient (Patient 1 in PMID: 23566026) with this variant had less than 10% expression of GPIba and GP9 compared to controls. The patient also had excessive mucocutaneous bleeding and macrothrombocytopenia which are consistent with Bernard-Soulier syndrome. Full gene sequencing of GP1BA, GP1BB, and GP9 were performed as well as del/dup analysis (PP4_Moderate). The Grpmax filtering allele frequency in gnomaDThe Grpmax filtering allele frequency in gnomaDv4.1 is 7.700e-7 (based on 3/1034782 alleles) in the European (non-Finnish) population, which is below the <0.0000651678 threshold for PM2_supporting. Surface expression of GP1BB and GP9 measured by flow cytometry and Western blot in HEK293T cells transiently co-transfected with the NM_000407.5:c.443G>A variant GP1BB and wild type GP1BA/GP9 showed decreased expression at 0% WT levels, indicating that this variant impacts protein function (PMID: 12447957)(PS3_supporting). In summary, this variant meets the criteria to be classified as Pathogenic for autosomal recessive Bernard-Soulier syndrome based on the ACMG/AMP criteria applied, as specified by the ClinGen PD VCEP: PVS1_Strong, PP4_Moderate, PM3, PM2_Supporting and PS3_Supporting (VCEP specifications version PILOT).

ISTH-SSC Genomics in Thrombosis and Hemostasis, KU Leuven, Center for Molecular and Vascular Biology
Classification: Pathogenic for Bernard Soulier syndrome. Review status: criteria provided, single submitter. Criteria: ACMG Guidelines, 2015. Collection method: clinical testing. Allele origin: germline. Affected: yes. Observed: 2 heterozygotes. Clinical features observed: Macrothrombocytopenia. Not counted in ClinVar's aggregate classification.
Comment: Submitted to the GoldVariant database by Dr Marie-Christine Morel-Kopp; Northern Blood Research Centre, Sydney, Australia

NM_000407.5(GP1BB):c.443G>A (p.Trp148Ter)

Genes: GP1BB (glycoprotein Ib platelet subunit beta; plus strand), SEPT5-GP1BB (SEPT5-GP1BB readthrough; plus strand). Cytogenetic location: 22q11.21.
Variant type: single nucleotide variant.
Coding change: c.443G>A on transcript NM_000407.5 (MANE Select); coding-DNA position 443, G replaced by A.
Protein change: p.Trp148Ter; replaces tryptophan 148 with a stop codon.
Molecular consequence: nonsense. On other transcripts: non-coding transcript variant (2).
Genome position (GRCh38, 1-based): chr22:19,724,286, G>A. VCF-style: chr22-19724286-G-A. GRCh37 (hg19) VCF-style: chr22-19711809-G-A.
Other names: NM_000407.5(GP1BB):c.443G>A; p.Trp148Ter; short protein forms W148*.
Identifiers: ClinVar variation 1691232 (VCV001691232.4), dbSNP rs1375840544, ClinGen allele CA410677524.